The following is an entry in ClinVar:

NM_000264.5(PTCH1):c.580A>G (p.Asn194Asp)

Gene: PTCH1 (patched 1; minus strand). Cytogenetic location: 9q22.32.
Variant type: single nucleotide variant.
Coding change: c.580A>G on transcript NM_000264.5 (MANE Select); coding-DNA position 580, A replaced by G.
Protein change: p.Asn194Asp; replaces asparagine 194 with aspartic acid.
Molecular consequence: missense variant. On other transcripts: non-coding transcript variant (1).
Genome position (GRCh38, 1-based): chr9:95,485,689, T>C on the plus strand (A>G on the coding strand, the complement: PTCH1 is on the minus strand). VCF-style: chr9-95485689-T-C. GRCh37 (hg19) VCF-style: chr9-98247971-T-C.
Other names: c.382A>G, p.Asn128Asp (NM_001083602.3, NM_001354919.2); c.577A>G, p.Asn193Asp (NM_001083603.3); c.127A>G, p.Asn43Asp (NM_001083604.3, NM_001083605.3, NM_001083606.3 and 1 more transcripts); c.580A>G, p.Asn194Asp (NM_001354918.2); short protein forms N193D, N128D, N194D, N43D.
Identifiers: ClinVar variation 1749830 (VCV001749830.2), dbSNP rs1689352364, ClinGen allele CA374116563.
Genomic context (GRCh38, chr9:95,485,689, plus strand): 5'-CCTTCTCCCACCGCCTTACCTGCTGCTCATTAGTAGGTGGACGCGGCGGGCCTTACCTGT[T>C]GTACATGTATACATGGACACGGCTGGCCTGGAGTGCCGAGTCCAGGTGTTGTAGGAGCGC-3'
Protein context (NP_000255.2, residues 184-204): QASRVHVYMY[Asn194Asp]RQWKLEHLCY

ClinVar aggregate classification (germline): Uncertain significance (1 of 4 stars; one submission).

Conditions:
Hereditary cancer-predisposing syndrome. Also called: Hereditary Cancer Syndrome; Hereditary neoplastic syndrome; Neoplastic Syndromes, Hereditary; Tumor predisposition. Identifiers: Orphanet 140162, MedGen C0027672, MeSH D009386, MONDO:0015356.

Allele frequency attached by ClinVar (database versions not stated): gnomAD exomes below 0.00001; TOPMed below 0.00001; gnomAD 0.00001.
gnomAD v4.1: 3 of 1,613,950 alleles (0.00019%); highest among the groups gnomAD compares: African/African-American, 0.0013%; no homozygotes.

Submission:

Ambry Genetics
Classification: Uncertain significance for Hereditary cancer-predisposing syndrome. Last evaluated: 2022-09-03. Review status: criteria provided, single submitter. Criteria: Ambry Variant Classification Scheme 2023. Collection method: clinical testing. Allele origin: germline.
Comment: The p.N194D variant (also known as c.580A>G), located in coding exon 3 of the PTCH1 gene, results from an A to G substitution at nucleotide position 580. The asparagine at codon 194 is replaced by aspartic acid, an amino acid with highly similar properties. This amino acid position is conserved. In addition, the in silico prediction for this alteration is inconclusive. Since supporting evidence is limited at this time, the clinical significance of this alteration remains unclear.